The following is an entry in ClinVar:

ClinVar aggregate classification (germline): Uncertain significance. Review status: criteria provided, multiple submitters, no conflicts (2 of 4 stars). 2 submissions from 2 submitters: Uncertain significance (2). Last evaluated 2023-09-27.

Conditions:
Cardiovascular phenotype. Identifiers: MedGen CN230736.
Myofibrillar myopathy 4. Also called: Zaspopathy (type). Identifiers: Orphanet 98912, MedGen C4721886, MONDO:0012277, OMIM 609452.

Submissions (2):

Labcorp Genetics (formerly Invitae), Labcorp
Classification: Uncertain significance for Myofibrillar myopathy 4. Last evaluated: 2023-09-27. Review status: criteria provided, single submitter. Criteria: Invitae Variant Classification Sherloc (09022015). Collection method: clinical testing. Allele origin: germline.
Comment: The LDB3 gene has multiple clinically relevant transcripts. This variant occurs in alternate transcript NM_007078.3, and corresponds to NM_001080116.1:c.*26792C>T in the primary transcript. This sequence change replaces histidine, which is basic and polar, with tyrosine, which is neutral and polar, at codon 670 of the LDB3 protein (p.His670Tyr). This variant is not present in population databases (gnomAD no frequency). This variant has not been reported in the literature in individuals affected with LDB3-related conditions. Experimental studies and prediction algorithms are not available or were not evaluated, and the functional significance of this variant is currently unknown. In summary, the available evidence is currently insufficient to determine the role of this variant in disease. Therefore, it has been classified as a Variant of Uncertain Significance.

Ambry Genetics
Classification: Uncertain significance for Cardiovascular phenotype. Last evaluated: 2022-04-21. Review status: criteria provided, single submitter. Criteria: Ambry Variant Classification Scheme 2023. Collection method: clinical testing. Allele origin: germline.
Comment: The p.H670Y variant (also known as c.2008C>T), located in coding exon 12 of the LDB3 gene, results from a C to T substitution at nucleotide position 2008. The histidine at codon 670 is replaced by tyrosine, an amino acid with similar properties. This amino acid position is conserved. In addition, this alteration is predicted to be deleterious by in silico analysis. Since supporting evidence is limited at this time, the clinical significance of this alteration remains unclear.

NM_007078.3(LDB3):c.2008C>T (p.His670Tyr)

Gene: LDB3 (LIM domain binding 3; plus strand). Cytogenetic location: 10q23.2.
Variant type: single nucleotide variant.
Coding change: c.2008C>T on transcript NM_007078.3 (MANE Select); coding-DNA position 2008, C replaced by T.
Protein change: p.His670Tyr; replaces histidine 670 with tyrosine.
Molecular consequence: missense variant.
Genome position (GRCh38, 1-based): chr10:86,726,166, C>T. VCF-style: chr10-86726166-C-T. GRCh37 (hg19) VCF-style: chr10-88485923-C-T.
Other names: c.1678C>T, p.His560Tyr (NM_001080114.2); c.2023C>T, p.His675Tyr (NM_001171610.2); c.1819C>T, p.His607Tyr (NM_001368064.1, NM_001368065.1); c.1867C>T, p.His623Tyr (NM_001368066.1); short protein forms H607Y, H670Y, H675Y, H560Y, H623Y.
Identifiers: ClinVar variation 1784357 (VCV001784357.7), dbSNP rs2492850728, ClinGen allele CA377457120.